The following is an entry in ClinVar:

ClinVar aggregate classification (germline): Likely benign (0 of 4 stars; one submission).

Conditions:
PRKD1-related disorder. Also called: PRKD1-related condition.

Submission:

PreventionGenetics, part of Exact Sciences
Classification: Likely benign for PRKD1-related condition. Last evaluated: 2019-03-05. Review status: no assertion criteria provided. Collection method: clinical testing. Allele origin: germline.
Comment: This variant is classified as likely benign based on ACMG/AMP sequence variant interpretation guidelines (Richards et al. 2015 PMID: 25741868, with internal and published modifications).

NM_002742.3(PRKD1):c.1393-10del

Gene: PRKD1 (protein kinase D1; minus strand). Cytogenetic location: 14q12.
Variant type: Deletion.
Coding change: c.1393-10del on transcript NM_002742.3 (MANE Select); 10 bases into the intron before coding-DNA position 1393, one base deleted (T; older notation c.1393-10delT).
Molecular consequence: intron variant.
Genome position (GRCh38, 1-based): chr14:29,631,031, A deleted on the plus strand (T on the coding strand, the reverse complement: PRKD1 is on the minus strand); the first of 7 consecutive A bases (chr14:29,631,031-29,631,037); deleting any one gives the same sequence. VCF-style (leftmost placement, unchanged base first): chr14-29631030-GA-G. GRCh37 (hg19) VCF-style: chr14-30100236-GA-G.
Other names: c.1417-10del (NM_001330069.2); c.1129-10del (NM_001348390.1).
Identifiers: ClinVar variation 3052083 (VCV003052083.2), dbSNP rs45589232, ClinGen allele CA7141161.